The following is an entry in ClinVar:

NM_206933.4(USH2A):c.14753C>T (p.Thr4918Met)

Gene: USH2A (usherin; minus strand). Cytogenetic location: 1q41.
Variant type: single nucleotide variant.
Coding change: c.14753C>T on transcript NM_206933.4 (MANE Select); coding-DNA position 14753, C replaced by T.
Protein change: p.Thr4918Met; replaces threonine 4918 with methionine.
Molecular consequence: missense variant.
Genome position (GRCh38, 1-based): chr1:215,647,560, G>A on the plus strand (C>T on the coding strand, the complement: USH2A is on the minus strand). VCF-style: chr1-215647560-G-A. GRCh37 (hg19) VCF-style: chr1-215820902-G-A.
Other names: short protein forms T4918M.
Identifiers: ClinVar variation 177746 (VCV000177746.64), dbSNP rs56136489, ClinGen allele CA180690.

ClinVar aggregate classification (germline): Conflicting classifications of pathogenicity. Review status: criteria provided, conflicting classifications (1 of 4 stars). 12 submissions from 12 submitters: Uncertain significance (4); Likely benign (5). 3 of the submissions do not count toward it. Last evaluated 2026-02-01.

Conditions:
USH2A-related disorder. Also called: USH2A-related condition; USH2A-related disorders. Identifiers: MedGen CN239332.
Retinal dystrophy. Also called: Inherited retinal dystrophy. Identifiers: Orphanet 71862, MedGen C0854723, MeSH D058499, MONDO:0019118, HP:0000556.
Usher syndrome type 2A. Also called: USHER SYNDROME, TYPE IIA; RETINAL DISEASE IN USHER SYNDROME TYPE IIA, MODIFIER OF. Identifiers: Orphanet 231178, Orphanet 886, MedGen C1848634, MONDO:0010169, OMIM 276901.

Allele frequency attached by ClinVar (database versions not stated): 1000 Genomes Project 0.00060; 1000 Genomes Project 30x 0.00094; TOPMed 0.00100; ESP Exome Variant Server 0.00131; gnomAD 0.00172.
gnomAD v4.1: 2,326 of 1,614,100 alleles (0.14%); highest among the groups gnomAD compares: Non-Finnish European, 0.17%; 3 homozygotes.

Submissions (12):

Labcorp Genetics (formerly Invitae), Labcorp
Classification: Likely benign. Last evaluated: 2026-02-01. Review status: criteria provided, single submitter. Criteria: Invitae Variant Classification Sherloc (09022015). Collection method: clinical testing. Allele origin: germline.

PreventionGenetics, part of Exact Sciences
Classification: Likely benign for USH2A-related condition. Last evaluated: 2026-01-22. Review status: criteria provided, single submitter. Criteria: ACMG Guidelines, 2015. Collection method: clinical testing. Allele origin: germline.
Comment: This variant is classified as likely benign based on ACMG/AMP sequence variant interpretation guidelines (Richards et al. 2015 PMID: 25741868, with internal and published modifications).

CeGaT Center for Human Genetics Tuebingen
Classification: Likely benign. Last evaluated: 2025-11-01. Review status: criteria provided, single submitter. Criteria: CeGaT Center For Human Genetics Tuebingen Variant Classification Criteria Version 2. Collection method: clinical testing. Allele origin: germline. Affected: yes. Observed: 3 variant alleles.
Comment: USH2A: BP4, BS2

Blueprint Genetics
Classification: Likely benign. Last evaluated: 2024-11-23. Review status: criteria provided, single submitter. Criteria: ACMG Guidelines, 2015. Collection method: clinical testing. Allele origin: germline.

Institute of Human Genetics, Univ. Regensburg, Univ. Regensburg
Classification: Uncertain significance for Retinal dystrophy. Last evaluated: 2023-01-01. Review status: criteria provided, single submitter. Criteria: ACMG Guidelines, 2015. Collection method: clinical testing. Allele origin: germline. Affected: yes.

GeneDx
Classification: Uncertain significance. Last evaluated: 2021-04-02. Review status: criteria provided, single submitter. Criteria: GeneDx Variant Classification Process June 2021. Collection method: clinical testing. Allele origin: germline. Affected: yes.
Comment: Identified in a patient with Usher syndrome type II in published literature, however no information about a second variant was provided (McGee et al., 2010); In silico analysis supports that this missense variant has a deleterious effect on protein structure/function; This variant is associated with the following publications: (PMID: 32707200, 24944099, 20507924)

ARUP Laboratories, Molecular Genetics and Genomics, ARUP Laboratories
Classification: Uncertain significance. Last evaluated: 2019-09-25. Review status: criteria provided, single submitter. Criteria: ARUP Molecular Germline Variant Investigation Process. Collection method: clinical testing. Allele origin: germline.
Comment: The USH2A c.14753C>T; p.Thr4918Met variant (rs56136489) is reported in the literature in an individual affected with Usher syndrome type 2, although it was not demonstrated to be disease-causing and a second variant in this individual was not reported (McGee 2010). This variant is found in the general population with an overall allele frequency of 0.12% (331/282718 alleles, including one homozygote) in the Genome Aggregation Database. The threonine at codon 4918 is moderately conserved and computational analyses (SIFT, PolyPhen-2) predict that this variant is deleterious. However, due to limited information, the clinical significance of the p.Thr4918Met variant is uncertain at this time. References: McGee TL et al. Novel mutations in the long isoform of the USH2A gene in patients with Usher syndrome type II or non-syndromic retinitis pigmentosa. J Med Genet. 2010 Jul;47(7):499-506.

Laboratory for Molecular Medicine, Mass General Brigham Personalized Medicine
Classification: Likely benign. Last evaluated: 2015-07-30. Review status: criteria provided, single submitter. Criteria: LMM Criteria. Collection method: clinical testing. Allele origin: germline. Observed: 5 variant alleles.
Comment: p.Thr4918Met in exon 67 of USH2A: This variant is not expected to have clinical significance because it has been identified in 0.2% (119/66710) of European chro mosomes, including 1 homozygous individual, by the Exome Aggregation Consortium (ExAC; dbSNP rs56136489). Threonine (Thr) at pos ition 4918 is not conserved in mammals or evolutionarily distant species and 1 m ammal (Pacific walrus) carries a methionine (Met) at this position, suggesting t his change may be tolerated. Additional computational prediction tools do not pr ovide strong support for or against an impact to the protein. Although this vari ant has been reported in one individual with Usher syndrome type II, the authors classified it as a variant of uncertain significance and did not clarify whethe r a second USH2A variant was found in the individual (McGee 2010).

Eurofins Ntd Llc (ga)
Classification: Uncertain significance. Last evaluated: 2014-10-16. Review status: criteria provided, single submitter. Criteria: EGL Classification Definitions 2015. Collection method: clinical testing. Allele origin: germline. Observed: 1 variant allele, 1 heterozygote.

Natera, Inc.
Classification: Likely benign for Usher syndrome type 2A. Last evaluated: 2020-06-04. Review status: no assertion criteria provided. Collection method: clinical testing. Allele origin: germline. Not counted in ClinVar's aggregate classification.

Clinical Genetics DNA and cytogenetics Diagnostics Lab, Erasmus MC, Erasmus Medical Center
Classification: Uncertain significance. Review status: no assertion criteria provided. Collection method: clinical testing. Allele origin: germline. Affected: yes. Study: VKGL Data-share Consensus. Not counted in ClinVar's aggregate classification.

Joint Genome Diagnostic Labs from Nijmegen and Maastricht, Radboudumc and MUMC+
Classification: Uncertain significance. Review status: no assertion criteria provided. Collection method: clinical testing. Allele origin: germline. Affected: yes. Study: VKGL Data-share Consensus. Not counted in ClinVar's aggregate classification.

Literature cited by the submitters: PubMed 32707200 (cited by Institute of Human Genetics, Univ. Regensburg, Univ. Regensburg); PubMed 20507924 (cited by Laboratory for Molecular Medicine, Mass General Brigham Personalized Medicine).